The following is an entry in ClinVar:

NM_000216.4(ANOS1):c.1208-1G>A

Gene: ANOS1 (anosmin 1; minus strand). Cytogenetic location: Xp22.31.
Variant type: single nucleotide variant.
Coding change: c.1208-1G>A on transcript NM_000216.4 (MANE Select); the canonical splice acceptor site of the intron before coding-DNA position 1208, G replaced by A.
Molecular consequence: splice acceptor variant.
Genome position (GRCh38, 1-based): chrX:8,554,099, C>T on the plus strand (G>A on the coding strand, the complement: ANOS1 is on the minus strand). VCF-style: chrX-8554099-C-T. GRCh37 (hg19) VCF-style: chrX-8522140-C-T.
Identifiers: ClinVar variation 5019905 (VCV005019905.2).

ClinVar aggregate classification (germline): Uncertain significance (1 of 4 stars; one submission).

Conditions:
Hypogonadotropic hypogonadism 1 with or without anosmia (HH1). Also called: Hypogonadotropic hypogonadism 1 with or without anosmia (Kallmann syndrome 1); HYPOGONADOTROPIC HYPOGONADISM AND ANOSMIA; Kallmann syndrome, type 1, X-linked; DYSPLASIA OLFACTOGENITALIS OF DE MORSIER; HYPOGONADOTROPIC HYPOGONADISM 1 WITH ANOSMIA; KAL1-Related GnRH Deficiency (Kallmann Syndrome 1; Kallmann Syndrome, X-Linked). Identifiers: Orphanet 478, MedGen C1563719, MONDO:0010635, OMIM 308700. Disease mechanism: loss of function.

Submission:

Juno Genomics, Hangzhou Juno Genomics, Inc
Classification: Uncertain significance for Hypogonadotropic hypogonadism 1 with or without anosmia. Review status: criteria provided, single submitter. Criteria: ACMG Guidelines, 2015. Collection method: clinical testing. Allele origin: germline.
Comment: Absent from controls (or at extremely low frequency if recessive) in Genome Aggregation Database.;Null variant in a gene where loss of function (LOF) is a known mechanism of disease.